The following is an entry in ClinVar:

NM_033305.3(VPS13A):c.2038-1G>A

Gene: VPS13A (vacuolar protein sorting 13 homolog A; plus strand). Cytogenetic location: 9q21.2.
Variant type: single nucleotide variant.
Coding change: c.2038-1G>A on transcript NM_033305.3 (MANE Select); the canonical splice acceptor site of the intron before coding-DNA position 2038, G replaced by A.
Molecular consequence: splice acceptor variant.
Genome position (GRCh38, 1-based): chr9:77,250,096, G>A. VCF-style: chr9-77250096-G-A. GRCh37 (hg19) VCF-style: chr9-79865012-G-A.
Other names: c.2038-1G>A (NM_001018037.2, NM_015186.4, NM_001018038.3).
Identifiers: ClinVar variation 2100693 (VCV002100693.4), dbSNP rs2537713123, ClinGen allele CA373849414.
Genomic context (GRCh38, chr9:77,250,096, plus strand): 5'-CACTTTATACTTACATTTTGAAGTATTTTGCATAGTCTAAACTATTAAAATTAACTTGAA[G>A]GTGACGAGTAAAAGTCGTTCTGAATTACCAGATGTGAAACAAGGTGAGGCCAATCTTAAA-3'

ClinVar aggregate classification (germline): Likely pathogenic (1 of 4 stars; one submission).

Submission:

Labcorp Genetics (formerly Invitae), Labcorp
Classification: Likely pathogenic. Last evaluated: 2022-03-08. Review status: criteria provided, single submitter. Criteria: Invitae Variant Classification Sherloc (09022015). Collection method: clinical testing. Allele origin: germline.
Comment: In summary, the currently available evidence indicates that the variant is pathogenic, but additional data are needed to prove that conclusively. Therefore, this variant has been classified as Likely Pathogenic. Algorithms developed to predict the effect of sequence changes on RNA splicing suggest that this variant may disrupt the consensus splice site. This variant has not been reported in the literature in individuals affected with VPS13A-related conditions. This variant is not present in population databases (gnomAD no frequency). This sequence change affects an acceptor splice site in intron 20 of the VPS13A gene. It is expected to disrupt RNA splicing. Variants that disrupt the donor or acceptor splice site typically lead to a loss of protein function (PMID: 16199547), and loss-of-function variants in VPS13A are known to be pathogenic (PMID: 12404112, 21598378).

Literature cited by the submitters: PubMed 16199547; PubMed 12404112; PubMed 21598378.